The following is an entry in ClinVar:

NM_002439.5(MSH3):c.755G>A (p.Cys252Tyr)

Gene: MSH3 (mutS homolog 3; plus strand). Cytogenetic location: 5q14.1.
Variant type: single nucleotide variant.
Coding change: c.755G>A on transcript NM_002439.5 (MANE Select); coding-DNA position 755, G replaced by A.
Protein change: p.Cys252Tyr; replaces cysteine 252 with tyrosine.
Molecular consequence: missense variant.
Genome position (GRCh38, 1-based): chr5:80,670,272, G>A. VCF-style: chr5-80670272-G-A. GRCh37 (hg19) VCF-style: chr5-79966091-G-A.
Other names: short protein forms C252Y.
Identifiers: ClinVar variation 827125 (VCV000827125.14), dbSNP rs1580550371, ClinGen allele CA360266948.

ClinVar aggregate classification (germline): Uncertain significance. Review status: criteria provided, multiple submitters, no conflicts (2 of 4 stars). 2 submissions from 2 submitters: Uncertain significance (2). Last evaluated 2024-08-18.

Conditions:
Hereditary cancer-predisposing syndrome. Also called: Neoplastic Syndromes, Hereditary; Tumor predisposition; Hereditary neoplastic syndrome; Hereditary Cancer Syndrome. Identifiers: Orphanet 140162, MedGen C0027672, MeSH D009386, MONDO:0015356.

Allele frequency attached by ClinVar (database versions not stated): gnomAD exomes below 0.00001.
gnomAD v4.1: 1 of 1,614,156 alleles (0.000062%); highest among the groups gnomAD compares: Non-Finnish European, 0.000085%; no homozygotes.

Submissions (2):

Ambry Genetics
Classification: Uncertain significance for Hereditary cancer-predisposing syndrome. Last evaluated: 2024-08-18. Review status: criteria provided, single submitter. Criteria: Ambry Variant Classification Scheme 2023. Collection method: clinical testing. Allele origin: germline.
Comment: The p.C252Y variant (also known as c.755G>A), located in coding exon 4 of the MSH3 gene, results from a G to A substitution at nucleotide position 755. The cysteine at codon 252 is replaced by tyrosine, an amino acid with highly dissimilar properties. This amino acid position is highly conserved in available vertebrate species. In addition, this alteration is predicted to be deleterious by in silico analysis. Since supporting evidence is limited at this time, the clinical significance of this alteration remains unclear.

Labcorp Genetics (formerly Invitae), Labcorp
Classification: Uncertain significance. Last evaluated: 2022-05-26. Review status: criteria provided, single submitter. Criteria: Invitae Variant Classification Sherloc (09022015). Collection method: clinical testing. Allele origin: germline.
Comment: This sequence change replaces cysteine, which is neutral and slightly polar, with tyrosine, which is neutral and polar, at codon 252 of the MSH3 protein (p.Cys252Tyr). In summary, the available evidence is currently insufficient to determine the role of this variant in disease. Therefore, it has been classified as a Variant of Uncertain Significance. Algorithms developed to predict the effect of missense changes on protein structure and function are either unavailable or do not agree on the potential impact of this missense change (SIFT: "Deleterious"; PolyPhen-2: "Probably Damaging"; Align-GVGD: "Class C0"). ClinVar contains an entry for this variant (Variation ID: 827125). This variant has not been reported in the literature in individuals affected with MSH3-related conditions. This variant is not present in population databases (gnomAD no frequency).